The following is an entry in ClinVar:

NM_005360.5(MAF):c.520C>G (p.Gln174Glu)

Gene: MAF (MAF bZIP transcription factor; minus strand). Cytogenetic location: 16q23.2.
Variant type: single nucleotide variant.
Coding change: c.520C>G on transcript NM_005360.5 (MANE Select); coding-DNA position 520, C replaced by G.
Protein change: p.Gln174Glu; replaces glutamine 174 with glutamic acid.
Molecular consequence: missense variant.
Genome position (GRCh38, 1-based): chr16:79,599,383, G>C on the plus strand (C>G on the coding strand, the complement: MAF is on the minus strand). VCF-style: chr16-79599383-G-C. GRCh37 (hg19) VCF-style: chr16-79633280-G-C.
Other names: c.520C>G, p.Gln174Glu (NM_001031804.3); short protein forms Q174E.
Identifiers: ClinVar variation 1311423 (VCV001311423.2), dbSNP rs2143809957, ClinGen allele CA396535785.

ClinVar aggregate classification (germline): Uncertain significance (1 of 4 stars; one submission).

Submission:

GeneDx
Classification: Uncertain significance. Last evaluated: 2019-12-19. Review status: criteria provided, single submitter. Criteria: GeneDx Variant Classification Process June 2021. Collection method: clinical testing. Allele origin: germline. Affected: yes.
Comment: Not observed in large population cohorts (Lek et al., 2016); In silico analysis, which includes protein predictors and evolutionary conservation, supports that this variant does not alter protein structure/function; Has not been previously published as pathogenic or benign to our knowledge